The following is an entry in ClinVar:

NM_002519.3(NPAT):c.1759C>G (p.Pro587Ala)

Gene: NPAT (nuclear protein, coactivator of histone transcription; minus strand). Cytogenetic location: 11q22.3.
Variant type: single nucleotide variant.
Coding change: c.1759C>G on transcript NM_002519.3 (MANE Select); coding-DNA position 1759, C replaced by G.
Protein change: p.Pro587Ala; replaces proline 587 with alanine.
Molecular consequence: missense variant.
Genome position (GRCh38, 1-based): chr11:108,173,225, G>C on the plus strand (C>G on the coding strand, the complement: NPAT is on the minus strand). VCF-style: chr11-108173225-G-C. GRCh37 (hg19) VCF-style: chr11-108043952-G-C.
Other names: c.1759C>G, p.Pro587Ala (NM_001321307.1); short protein forms P587A.
Identifiers: ClinVar variation 1779529 (VCV001779529.2), dbSNP rs1191819600, ClinGen allele CA382514417.

ClinVar aggregate classification (germline): Uncertain significance (1 of 4 stars; one submission).

Submission:

Ambry Genetics
Classification: Uncertain significance. Last evaluated: 2021-12-27. Review status: criteria provided, single submitter. Criteria: Ambry Variant Classification Scheme 2023. Collection method: clinical testing. Allele origin: germline.
Comment: The p.P587A variant (also known as c.1759C>G), located in coding exon 13 of the NPAT gene, results from a C to G substitution at nucleotide position 1759. The proline at codon 587 is replaced by alanine, an amino acid with highly similar properties. This amino acid position is conserved. In addition, this alteration is predicted to be tolerated by in silico analysis. Since supporting evidence is limited at this time, the clinical significance of this alteration remains unclear.